The following is an entry in ClinVar:

NM_001291303.3(FAT4):c.6324C>G (p.Leu2108=)

Gene: FAT4 (FAT atypical cadherin 4; plus strand). Cytogenetic location: 4q28.1.
Variant type: single nucleotide variant.
Coding change: c.6324C>G on transcript NM_001291303.3 (MANE Select); coding-DNA position 6324, C replaced by G.
Protein change: p.Leu2108=; no amino-acid change (leucine 2108 retained).
Molecular consequence: synonymous variant.
Genome position (GRCh38, 1-based): chr4:125,415,287, C>G. VCF-style: chr4-125415287-C-G. GRCh37 (hg19) VCF-style: chr4-126336442-C-G.
Other names: c.6324C>G, p.Leu2108= (NM_001291285.3, NM_024582.6); c.6324C>G (NM_024582.4).
Identifiers: ClinVar variation 1666586 (VCV001666586.10), dbSNP rs140302868, ClinGen allele CA3072902.

ClinVar aggregate classification (germline): Likely benign. Review status: criteria provided, single submitter (1 of 4 stars). 2 submissions from 2 submitters: Likely benign (1). 1 of the submissions does not count toward it. Last evaluated 2024-11-19.

Conditions:
FAT4-related disorder. Also called: FAT4-related condition.

Allele frequency attached by ClinVar (database versions not stated): gnomAD exomes 0.00001; ExAC 0.00003; gnomAD 0.00005; 1000 Genomes Project 0.00020; TOPMed 0.00006; ESP Exome Variant Server 0.00008; 1000 Genomes Project 30x 0.00016.
gnomAD v4.1: 19 of 1,614,052 alleles (0.0012%); highest among the groups gnomAD compares: African/African-American, 0.017%; no homozygotes.

Submissions (2):

Labcorp Genetics (formerly Invitae), Labcorp
Classification: Likely benign. Last evaluated: 2024-11-19. Review status: criteria provided, single submitter. Criteria: Invitae Variant Classification Sherloc (09022015). Collection method: clinical testing. Allele origin: germline.

PreventionGenetics, part of Exact Sciences
Classification: Likely benign for FAT4-related condition. Last evaluated: 2019-12-24. Review status: no assertion criteria provided. Collection method: clinical testing. Allele origin: germline. Not counted in ClinVar's aggregate classification.
Comment: This variant is classified as likely benign based on ACMG/AMP sequence variant interpretation guidelines (Richards et al. 2015 PMID: 25741868, with internal and published modifications).